The following is an entry in ClinVar:

NM_173660.5(DOK7):c.241G>C (p.Val81Leu)

Gene: DOK7 (docking protein 7; plus strand). Cytogenetic location: 4p16.3.
Variant type: single nucleotide variant.
Coding change: c.241G>C on transcript NM_173660.5 (MANE Select); coding-DNA position 241, G replaced by C.
Protein change: p.Val81Leu; replaces valine 81 with leucine.
Molecular consequence: missense variant. On other transcripts: intron variant (1).
Genome position (GRCh38, 1-based): chr4:3,473,546, G>C. VCF-style: chr4-3473546-G-C. GRCh37 (hg19) VCF-style: chr4-3475273-G-C.
Other names: c.241G>C, p.Val81Leu (NM_001164673.2, NM_001301071.2); c.100+9995G>C (NM_001363811.2); short protein forms V81L.
Identifiers: ClinVar variation 960348 (VCV000960348.10), dbSNP rs763046127, ClinGen allele CA356113487.

ClinVar aggregate classification (germline): Uncertain significance (1 of 4 stars; one submission).

Conditions:
Congenital myasthenic syndrome 10. Also called: Myasthenia, limb-girdle, familial. Identifiers: Orphanet 590, MedGen C1850792, MONDO:0009690, OMIM 254300.
Fetal akinesia deformation sequence 1 (FADS1). Also called: Fetal akinesia sequence; Pena-Shokeir syndrome type I. Identifiers: Orphanet 994, MedGen C1276035, MONDO:0100101, OMIM 208150, HP:0001989.

Submission:

Labcorp Genetics (formerly Invitae), Labcorp
Classification: Uncertain significance for Congenital myasthenic syndrome 10; Fetal akinesia deformation sequence 1. Last evaluated: 2019-10-19. Review status: criteria provided, single submitter. Criteria: Invitae Variant Classification Sherloc (09022015). Collection method: clinical testing. Allele origin: germline.
Comment: This sequence change replaces valine with leucine at codon 81 of the DOK7 protein (p.Val81Leu). The valine residue is weakly conserved and there is a small physicochemical difference between valine and leucine. In summary, the available evidence is currently insufficient to determine the role of this variant in disease. Therefore, it has been classified as a Variant of Uncertain Significance. Algorithms developed to predict the effect of missense changes on protein structure and function (SIFT, PolyPhen-2, Align-GVGD) all suggest that this variant is likely to be tolerated, but these predictions have not been confirmed by published functional studies and their clinical significance is uncertain. This variant has not been reported in the literature in individuals with DOK7-related conditions. This variant is not present in population databases (ExAC no frequency).